The following is an entry in ClinVar:

NM_001005373.4(LRSAM1):c.480C>T (p.Asn160=)

Gene: LRSAM1 (leucine rich repeat and sterile alpha motif containing 1; plus strand). Cytogenetic location: 9q33.3.
Variant type: single nucleotide variant.
Coding change: c.480C>T on transcript NM_001005373.4 (MANE Select); coding-DNA position 480, C replaced by T.
Protein change: p.Asn160=; no amino-acid change (asparagine 160 retained).
Molecular consequence: synonymous variant. On other transcripts: 5 prime UTR variant (1), non-coding transcript variant (2).
Genome position (GRCh38, 1-based): chr9:127,462,325, C>T. VCF-style: chr9-127462325-C-T. GRCh37 (hg19) VCF-style: chr9-130224604-C-T.
Other names: c.480C>T, p.Asn160= (NM_001005374.4, NM_001190723.3, NM_001384142.1 and 2 more transcripts); c.-305C>T (NM_001384144.1); c.480C>T (NM_138361.4).
Identifiers: ClinVar variation 365013 (VCV000365013.20), dbSNP rs147205387, ClinGen allele CA5246562.

ClinVar aggregate classification (germline): Benign/Likely benign. Review status: criteria provided, multiple submitters, no conflicts (2 of 4 stars). 6 submissions from 6 submitters: Benign (1); Likely benign (5). Last evaluated 2025-11-03.

Conditions:
LRSAM1-related disorder. Also called: LRSAM1-related condition.
Inborn genetic diseases. Identifiers: MedGen C0950123, MeSH D030342.
Charcot-Marie-Tooth disease axonal type 2P. Also called: CHARCOT-MARIE-TOOTH NEUROPATHY, TYPE 2P; CHARCOT-MARIE-TOOTH DISEASE, AXONAL, TYPE 2G; CMT 2G; Charcot-Marie-Tooth Neuropathy Type 2G. Identifiers: Orphanet 300319, Orphanet 99941, MedGen C3280797, MONDO:0013753, OMIM 614436.

Allele frequency attached by ClinVar (database versions not stated): gnomAD 0.00009 and 0.00013; TOPMed 0.00013; ESP Exome Variant Server 0.00015; ExAC 0.00018; gnomAD exomes 0.00019; 1000 Genomes Project 0.00060; 1000 Genomes Project 30x 0.00062.
gnomAD v4.1: 182 of 1,614,096 alleles (0.011%); highest among the groups gnomAD compares: East Asian, 0.1%; 2 homozygotes.

Submissions (6):

Labcorp Genetics (formerly Invitae), Labcorp
Classification: Benign for Charcot-Marie-Tooth disease axonal type 2P. Last evaluated: 2025-11-03. Review status: criteria provided, single submitter. Criteria: Invitae Variant Classification Sherloc (09022015). Collection method: clinical testing. Allele origin: germline.

Women's Health and Genetics/Laboratory Corporation of America, LabCorp
Classification: Likely benign. Last evaluated: 2025-10-23. Review status: criteria provided, single submitter. Criteria: LabCorp Variant Classification Summary - May 2015. Collection method: clinical testing. Allele origin: germline.

PreventionGenetics, part of Exact Sciences
Classification: Likely benign for LRSAM1-related condition. Last evaluated: 2025-03-31. Review status: criteria provided, single submitter. Criteria: ACMG Guidelines, 2015. Collection method: clinical testing. Allele origin: germline.
Comment: This variant is classified as likely benign based on ACMG/AMP sequence variant interpretation guidelines (Richards et al. 2015 PMID: 25741868, with internal and published modifications).

Ambry Genetics
Classification: Likely benign for Inborn genetic diseases. Last evaluated: 2019-07-11. Review status: criteria provided, single submitter. Criteria: Ambry Variant Classification Scheme 2023. Collection method: clinical testing. Allele origin: germline.

Illumina Laboratory Services, Illumina
Classification: Likely benign for Charcot-Marie-Tooth disease axonal type 2P. Last evaluated: 2018-01-13. Review status: criteria provided, single submitter. Criteria: ICSL Variant Classification Criteria 13 December 2019. Collection method: clinical testing. Allele origin: germline.
Comment: This variant was observed in the ICSL laboratory as part of a predisposition screen in an ostensibly healthy population. It had not been previously curated by ICSL or reported in the Human Gene Mutation Database (HGMD: prior to June 1st, 2018), and was therefore a candidate for classification through an automated scoring system. Utilizing variant allele frequency, disease prevalence and penetrance estimates, and inheritance mode, an automated score was calculated to assess if this variant is too frequent to cause the disease. Based on the score and internal cut-off values, a variant classified as likely benign is not then subjected to further curation. The score for this variant resulted in a classification of likely benign for this disease.

Breakthrough Genomics
Classification: Likely benign. Review status: criteria provided, single submitter. Criteria: ACMG Guidelines, 2015. Collection method: not provided. Allele origin: germline. Inheritance: Autosomal dominant inheritance. Affected: yes.